The following is an entry in ClinVar:

NM_001844.5(COL2A1):c.2795G>A (p.Arg932Gln)

Gene: COL2A1 (collagen type II alpha 1 chain; minus strand). Cytogenetic location: 12q13.11.
Variant type: single nucleotide variant.
Coding change: c.2795G>A on transcript NM_001844.5 (MANE Select); coding-DNA position 2795, G replaced by A.
Protein change: p.Arg932Gln; replaces arginine 932 with glutamine.
Molecular consequence: missense variant.
Genome position (GRCh38, 1-based): chr12:47,978,697, C>T on the plus strand (G>A on the coding strand, the complement: COL2A1 is on the minus strand). VCF-style: chr12-47978697-C-T. GRCh37 (hg19) VCF-style: chr12-48372480-C-T.
Other names: c.2795G>A (NM_001844.4); c.2588G>A, p.Arg863Gln (NM_033150.3); short protein forms R863Q, R932Q.
Identifiers: ClinVar variation 1524681 (VCV001524681.11), dbSNP rs570320774, ClinGen allele CA6534979.
Genomic context (GRCh38, chr12:47,978,697, plus strand): 5'-GGTCCAGCAGGACCTTGGAGGCCGGGTTCACCAGCTCGGCCAGGGGGGCCGCTGTCTCCT[C>T]GAGCACCTTTGGGACCATCTTTTCCAGAAGGACCAGGGGGACCAGGGGGTCCAGGGTTGC-3'
Protein context (NP_001835.3, residues 922-942): PSGKDGPKGA[Arg932Gln]GDSGPPGRAG

ClinVar aggregate classification (germline): Conflicting classifications of pathogenicity. Review status: criteria provided, conflicting classifications (1 of 4 stars). 4 submissions from 4 submitters: Uncertain significance (3); Likely benign (1). Last evaluated 2025-12-01.

Conditions:
Legg-Calve-Perthes disease. Also called: PERTHES DISEASE; Osteochondritis deformans; Coxa plana; Avascular necrosis of the capital femoral epiphysis. Identifiers: Orphanet 2380, MedGen C1442965, MONDO:0007885, OMIM 150600, HP:0005743.
Kniest dysplasia. Identifiers: Orphanet 485, MedGen C0265279, MONDO:0007987, OMIM 156550.
Achondrogenesis type II (ACG2). Also called: ACHONDROGENESIS, LANGER-SALDINO TYPE; CHONDROGENESIS IMPERFECTA. Identifiers: Orphanet 932, Orphanet 93296, MedGen C0220685, MONDO:0008702, OMIM 200610.
Avascular necrosis of femoral head, primary, 1 (ANFH1). Also called: Avascular necrosis of femoral head, primary. Identifiers: Orphanet 86820, MedGen C4551562, MONDO:0054550, OMIM 608805.
Spondyloepiphyseal dysplasia, Stanescu type. Also called: SED, STANESCU TYPE; SPONDYLOEPIMETAPHYSEAL DYSPLASIA, STANESCU TYPE. Identifiers: Orphanet 459051, MedGen C4225273, MONDO:0014701, OMIM 616583.
Stickler syndrome type 1 (STL1). Also called: ARTHROOPHTHALMOPATHY, HEREDITARY PROGRESSIVE; STICKLER SYNDROME, MEMBRANOUS VITREOUS TYPE; STICKLER SYNDROME, VITREOUS TYPE 1; COL2A1-Related Stickler Syndrome. Identifiers: Orphanet 828, Orphanet 90653, MedGen C2020284, MONDO:0007160, OMIM 108300.
Spondyloepimetaphyseal dysplasia, Strudwick type (SEMDSTWK). Also called: DAPPLED METAPHYSIS SYNDROME; STRUDWICK SYNDROME. Identifiers: Orphanet 93346, MedGen C0700635, MONDO:0008476, OMIM 184250.
Spondyloperipheral dysplasia. Also called: SPONDYLOPERIPHERAL DYSPLASIA WITH SHORT ULNA; Spondyloperipheral dysplasia-short ulna syndrome. Identifiers: Orphanet 1856, MedGen C0796173, MONDO:0010078, OMIM 271700.
Spondyloepiphyseal dysplasia with metatarsal shortening. Also called: Pseudorheumatoid dysplasia progressive, with hypoplastic toes; CZECH DYSPLASIA, METATARSAL TYPE; SPONDYLOEPIPHYSEAL DYSPLASIA WITH PRECOCIOUS OSTEOARTHRITIS. Identifiers: Orphanet 137678, MedGen C1836683, MONDO:0012206, OMIM 609162.
Multiple epiphyseal dysplasia, Beighton type. Identifiers: Orphanet 166011, MedGen C1851536, MONDO:0007562, OMIM 132450.
Vitreoretinopathy with phalangeal epiphyseal dysplasia (VPED). Identifiers: MedGen C1852989, MONDO:0031001, OMIM 619248.
Spondyloepiphyseal dysplasia congenita (SEDC). Also called: SED CONGENITA; SPONDYLOEPIPHYSEAL DYSPLASIA, CONGENITAL TYPE. Identifiers: Orphanet 94068, MedGen C2745959, MONDO:0008471, OMIM 183900.
Spondylometaphyseal dysplasia - Sutcliffe type. Also called: Spondylometaphyseal Dysplasia, Corner Fracture Type; Spondylometaphyseal dysplasia, 'corner fracture' type; Sutcliffe type of spondylometaphyseal dysplasia; Sutcliffe SMD. Identifiers: Orphanet 93315, MedGen C0432221, MONDO:0008479, OMIM 184255.
Stickler syndrome, type I, nonsyndromic ocular. Also called: STICKLER SYNDROME, TYPE I, PREDOMINANTLY OCULAR; STICKLER SYNDROME, ATYPICAL. Identifiers: MedGen C1836080, MONDO:0012287, OMIM 609508.
Platyspondylic dysplasia, Torrance type (PLSDT). Identifiers: Orphanet 85166, MedGen C1835437, MONDO:0007895, OMIM 151210.
Namaqualand hip dysplasia (OSCDP). Also called: Mild spondyloepiphyseal dysplasia due to COL2A1 mutation with early-onset osteoarthritis. Identifiers: Orphanet 93279, MedGen C0432214, MONDO:0011496, OMIM 604864.
Inborn genetic diseases. Identifiers: MedGen C0950123, MeSH D030342.

Allele frequency attached by ClinVar (database versions not stated): TOPMed below 0.00001; gnomAD 0.00001; gnomAD exomes 0.00001 and 0.00002; 1000 Genomes Project 0.00040; ExAC 0.00003; 1000 Genomes Project 30x 0.00031.
gnomAD v4.1: 24 of 1,613,252 alleles (0.0015%); highest among the groups gnomAD compares: South Asian, 0.0055%; no homozygotes.

Submissions (4):

Labcorp Genetics (formerly Invitae), Labcorp
Classification: Likely benign. Last evaluated: 2025-12-01. Review status: criteria provided, single submitter. Criteria: Invitae Variant Classification Sherloc (09022015). Collection method: clinical testing. Allele origin: germline.

GeneDx
Classification: Uncertain significance. Last evaluated: 2024-12-12. Review status: criteria provided, single submitter. Criteria: GeneDx Variant Classification Process June 2021. Collection method: clinical testing. Allele origin: germline. Affected: yes.
Comment: Not observed at significant frequency in large population cohorts (gnomAD); In silico analysis supports that this missense variant has a deleterious effect on protein structure/function; Has not been previously published as pathogenic or benign to our knowledge

Ambry Genetics
Classification: Uncertain significance for Inborn genetic diseases. Last evaluated: 2024-12-07. Review status: criteria provided, single submitter. Criteria: Ambry Variant Classification Scheme 2023. Collection method: clinical testing. Allele origin: germline.

Fulgent Genetics
Classification: Uncertain significance for Stickler syndrome type 1; Multiple epiphyseal dysplasia, Beighton type; Legg-Calve-Perthes disease; Platyspondylic dysplasia, Torrance type; Kniest dysplasia; Spondyloepiphyseal dysplasia congenita; Spondyloepimetaphyseal dysplasia, Strudwick type; Spondylometaphyseal dysplasia - Sutcliffe type; Achondrogenesis type II; Spondyloperipheral dysplasia; Namaqualand hip dysplasia; Avascular necrosis of femoral head, primary, 1; Spondyloepiphyseal dysplasia with metatarsal shortening; Stickler syndrome, type I, nonsyndromic ocular; Spondyloepiphyseal dysplasia, Stanescu type; Vitreoretinopathy with phalangeal epiphyseal dysplasia. Last evaluated: 2022-03-04. Review status: criteria provided, single submitter. Criteria: ACMG Guidelines, 2015. Collection method: clinical testing. Allele origin: unknown.